The following is an entry in ClinVar:

NM_016169.4(SUFU):c.94C>G (p.Pro32Ala)

Genes: SUFU (SUFU negative regulator of hedgehog signaling; plus strand), LOC130004614 (ATAC-STARR-seq lymphoblastoid silent region 2764; plus strand). Cytogenetic location: 10q24.32.
Variant type: single nucleotide variant.
Coding change: c.94C>G on transcript NM_016169.4 (MANE Select); coding-DNA position 94, C replaced by G.
Protein change: p.Pro32Ala; replaces proline 32 with alanine.
Molecular consequence: missense variant.
Genome position (GRCh38, 1-based): chr10:102,504,246, C>G. VCF-style: chr10-102504246-C-G. GRCh37 (hg19) VCF-style: chr10-104264003-C-G.
Other names: c.94C>G, p.Pro32Ala (NM_001178133.2); short protein forms P32A.
Identifiers: ClinVar variation 4177554 (VCV004177554.1).

ClinVar aggregate classification (germline): Uncertain significance (1 of 4 stars; one submission).

Conditions:
Hereditary cancer-predisposing syndrome. Also called: Neoplastic Syndromes, Hereditary; Tumor predisposition; Hereditary Cancer Syndrome; Hereditary neoplastic syndrome. Identifiers: Orphanet 140162, MedGen C0027672, MeSH D009386, MONDO:0015356.

Submission:

Ambry Genetics
Classification: Uncertain significance for Hereditary cancer-predisposing syndrome. Last evaluated: 2025-08-20. Review status: criteria provided, single submitter. Criteria: Ambry Variant Classification Scheme 2023. Collection method: clinical testing. Allele origin: germline.
Comment: The p.P32A variant (also known as c.94C>G), located in coding exon 1 of the SUFU gene, results from a C to G substitution at nucleotide position 94. The proline at codon 32 is replaced by alanine, an amino acid with highly similar properties. This amino acid position is conserved. In addition, the in silico prediction for this alteration is inconclusive. Based on the available evidence, the clinical significance of this variant remains unclear.